The following is an entry in ClinVar:

NM_002392.6(MDM2):c.377C>T (p.Thr126Ile)

Gene: MDM2 (MDM2 proto-oncogene; plus strand). Cytogenetic location: 12q15.
Variant type: single nucleotide variant.
Coding change: c.377C>T on transcript NM_002392.6 (MANE Select); coding-DNA position 377, C replaced by T.
Protein change: p.Thr126Ile; replaces threonine 126 with isoleucine.
Molecular consequence: missense variant. On other transcripts: intron variant (3).
Genome position (GRCh38, 1-based): chr12:68,824,381, C>T. VCF-style: chr12-68824381-C-T. GRCh37 (hg19) VCF-style: chr12-69218161-C-T.
Other names: c.359C>T, p.Thr120Ile (NM_001145337.3, NM_001367990.1); c.358+4007C>T (NM_001145339.2); c.156+10753C>T (NM_001278462.2, NM_001145340.3); short protein forms T120I, T126I.
Identifiers: ClinVar variation 2720273 (VCV002720273.3), dbSNP rs1320937462, ClinGen allele CA385705941.

ClinVar aggregate classification (germline): Uncertain significance (1 of 4 stars; one submission).

Conditions:
Accelerated tumor formation, susceptibility to (ACTFS). Identifiers: MedGen C3280690, OMIM 614401, MONDO:0013733.

Allele frequency attached by ClinVar (database versions not stated): gnomAD exomes below 0.00001; TOPMed below 0.00001; gnomAD 0.00001.
gnomAD v4.1: 7 of 1,608,100 alleles (0.00044%); highest among the groups gnomAD compares: East Asian, 0.013%; no homozygotes.

Submission:

Labcorp Genetics (formerly Invitae), Labcorp
Classification: Uncertain significance for Accelerated tumor formation, susceptibility to. Last evaluated: 2023-05-12. Review status: criteria provided, single submitter. Criteria: Invitae Variant Classification Sherloc (09022015). Collection method: clinical testing. Allele origin: germline.
Comment: Algorithms developed to predict the effect of missense changes on protein structure and function output the following: SIFT: "Not Available"; PolyPhen-2: "Benign"; Align-GVGD: "Not Available". The isoleucine amino acid residue is found in multiple mammalian species, which suggests that this missense change does not adversely affect protein function. This variant has not been reported in the literature in individuals affected with MDM2-related conditions. This variant is present in population databases (no rsID available, gnomAD 0.006%). This sequence change replaces threonine, which is neutral and polar, with isoleucine, which is neutral and non-polar, at codon 126 of the MDM2 protein (p.Thr126Ile). In summary, the available evidence is currently insufficient to determine the role of this variant in disease. Therefore, it has been classified as a Variant of Uncertain Significance.